The following is an entry in ClinVar:

NM_001354604.2(MITF):c.1037T>C (p.Met346Thr)

Gene: MITF (melanocyte inducing transcription factor; plus strand). Cytogenetic location: 3p13.
Variant type: single nucleotide variant.
Coding change: c.1037T>C on transcript NM_001354604.2 (MANE Select); coding-DNA position 1037, T replaced by C.
Protein change: p.Met346Thr; replaces methionine 346 with threonine.
Molecular consequence: missense variant.
Genome position (GRCh38, 1-based): chr3:69,959,278, T>C. VCF-style: chr3-69959278-T-C. GRCh37 (hg19) VCF-style: chr3-70008429-T-C.
Other names: c.716T>C, p.Met239Thr (NM_000248.4); c.863T>C, p.Met288Thr (NM_001184967.2, NM_001354608.2); c.1034T>C, p.Met345Thr (NM_001354605.2); c.1016T>C, p.Met339Thr (NM_001354606.2, NM_006722.3); c.968T>C, p.Met323Thr (NM_001354607.2); c.698T>C, p.Met233Thr (NM_198158.3); c.1019T>C, p.Met340Thr (NM_198159.3); c.971T>C, p.Met324Thr (NM_198177.3); and 1 more; short protein forms M177T, M233T, M239T, M288T, M323T, M324T, M339T, M340T.
Identifiers: ClinVar variation 3763703 (VCV003763703.2).

ClinVar aggregate classification (germline): Uncertain significance (1 of 4 stars; one submission).

Conditions:
Waardenburg syndrome type 2A (WS2A). Also called: WAARDENBURG SYNDROME WITHOUT DYSTOPIA CANTHORUM. Identifiers: Orphanet 3440, MedGen C1860339, MONDO:0008671, OMIM 193510.
Melanoma, cutaneous malignant, susceptibility to, 8. Also called: Cutaneous malignant melanoma 8; MELANOMA AND RENAL CELL CARCINOMA, SUSCEPTIBILITY TO. Identifiers: Orphanet 293822, MedGen C3152204, MONDO:0013759, OMIM 614456.
Tietz syndrome (TADS). Also called: ALBINISM-DEAFNESS OF TIETZ; TIETZ ALBINISM-DEAFNESS SYNDROME; HYPOPIGMENTATION/DEAFNESS OF TIETZ. Identifiers: Orphanet 42665, MedGen C0391816, MONDO:0007077, OMIM 103500.

gnomAD v4.1: 3 of 1,614,068 alleles (0.00019%); highest among the groups gnomAD compares: Non-Finnish European, 0.00025%; 1 homozygote.

Submission:

Labcorp Genetics (formerly Invitae), Labcorp
Classification: Uncertain significance for Melanoma, cutaneous malignant, susceptibility to, 8; Waardenburg syndrome type 2A; Tietz syndrome. Last evaluated: 2025-12-22. Review status: criteria provided, single submitter. Criteria: Invitae Variant Classification Sherloc (09022015). Collection method: clinical testing. Allele origin: germline.
Comment: This sequence change replaces methionine, which is neutral and non-polar, with threonine, which is neutral and polar, at codon 239 of the MITF protein (p.Met239Thr). This variant is not present in population databases (gnomAD no frequency). This variant has not been reported in the literature in individuals affected with MITF-related conditions. ClinVar contains an entry for this variant (Variation ID: 3763703). Invitae Evidence Modeling of protein sequence and biophysical properties (such as structural, functional, and spatial information, amino acid conservation, physicochemical variation, residue mobility, and thermodynamic stability) indicates that this missense variant is not expected to disrupt MITF protein function with a negative predictive value of 80%. In summary, the available evidence is currently insufficient to determine the role of this variant in disease. Therefore, it has been classified as a Variant of Uncertain Significance.